The following is an entry in ClinVar:

NM_001429.4(EP300):c.6085C>T (p.Pro2029Ser)

Gene: EP300 (EP300 lysine acetyltransferase; plus strand). Cytogenetic location: 22q13.2.
Variant type: single nucleotide variant.
Coding change: c.6085C>T on transcript NM_001429.4 (MANE Select); coding-DNA position 6085, C replaced by T.
Protein change: p.Pro2029Ser; replaces proline 2029 with serine.
Molecular consequence: missense variant.
Genome position (GRCh38, 1-based): chr22:41,177,796, C>T. VCF-style: chr22-41177796-C-T. GRCh37 (hg19) VCF-style: chr22-41573800-C-T.
Other names: c.6007C>T, p.Pro2003Ser (NM_001362843.2); short protein forms P2003S, P2029S.
Identifiers: ClinVar variation 4983719 (VCV004983719.1).

ClinVar aggregate classification (germline): Uncertain significance (1 of 4 stars; one submission).

Conditions:
EP300-related disorder. Also called: EP300-related condition; EP300-related disorders.

gnomAD v4.1: 10 of 1,613,922 alleles (0.00062%); highest among the groups gnomAD compares: South Asian, 0.011%; no homozygotes.

Submission:

PreventionGenetics, part of Exact Sciences
Classification: Uncertain significance for EP300-related condition. Last evaluated: 2026-07-14. Review status: criteria provided, single submitter. Criteria: ACMG Guidelines, 2015. Collection method: clinical testing. Allele origin: germline.
Comment: The EP300 c.6085C>T variant is predicted to result in the amino acid substitution p.Pro2029Ser. To our knowledge, this variant has not been reported in the literature in the context of EP300 related disorders (Sierant et al. 2025, PubMed ID: 40127276). This variant is reported in 0.0098% of alleles in individuals of South Asian descent in gnomAD. Although we suspect that this variant may be benign, at this time, the clinical significance of this variant is uncertain due to the absence of conclusive functional and genetic evidence.